The following is an entry in ClinVar:

ClinVar aggregate classification (germline): Likely benign (1 of 4 stars; one submission).

Submission:

CeGaT Center for Human Genetics Tuebingen
Classification: Likely benign. Last evaluated: 2023-03-01. Review status: criteria provided, single submitter. Criteria: CeGaT Center For Human Genetics Tuebingen Variant Classification Criteria Version 2. Collection method: clinical testing. Allele origin: germline. Affected: yes. Observed: 1 variant allele.
Comment: MAGEL2: PM2:Supporting, BP4, BP7

NM_019066.5(MAGEL2):c.2064A>T (p.Ala688=)

Gene: MAGEL2 (MAGE family member L2; minus strand). Cytogenetic location: 15q11.2.
Variant type: single nucleotide variant.
Coding change: c.2064A>T on transcript NM_019066.5 (MANE Select); coding-DNA position 2064, A replaced by T.
Protein change: p.Ala688=; no amino-acid change (alanine 688 retained).
Molecular consequence: synonymous variant.
Genome position (GRCh38, 1-based): chr15:23,645,679, T>A on the plus strand (A>T on the coding strand, the complement: MAGEL2 is on the minus strand). VCF-style: chr15-23645679-T-A. GRCh37 (hg19) VCF-style: chr15-23890826-T-A.
Identifiers: ClinVar variation 2644985 (VCV002644985.24), dbSNP rs2503978469, ClinGen allele CA489229446.